The following is an entry in ClinVar:

ClinVar aggregate classification (germline): Uncertain significance (1 of 4 stars; one submission).

Conditions:
Juvenile polyposis syndrome (JPS). Identifiers: Orphanet 2929, MedGen C0345893, MONDO:0017380, OMIM 174900.

Submission:

Labcorp Genetics (formerly Invitae), Labcorp
Classification: Uncertain significance for Juvenile polyposis syndrome. Last evaluated: 2018-04-27. Review status: criteria provided, single submitter. Criteria: Invitae Variant Classification Sherloc (09022015). Collection method: clinical testing. Allele origin: germline.
Comment: This sequence change replaces arginine with tryptophan at codon 380 of the SMAD4 protein (p.Arg380Trp). The arginine residue is highly conserved and there is a moderate physicochemical difference between arginine and tryptophan. This variant is not present in population databases (ExAC no frequency). This variant has not been reported in the literature in individuals with SMAD4-related disease. Algorithms developed to predict the effect of sequence changes on RNA splicing suggest that this variant may disrupt the consensus splice site, but this prediction has not been confirmed by published transcriptional studies. In summary, the available evidence is currently insufficient to determine the role of this variant in disease. Therefore, it has been classified as a Variant of Uncertain Significance. Algorithms developed to predict the effect of missense changes on protein structure and function (SIFT, PolyPhen-2, Align-GVGD) all suggest that this variant is likely to be disruptive, but these predictions have not been confirmed by published functional studies and their clinical significance is uncertain.

NM_005359.6(SMAD4):c.1138A>T (p.Arg380Trp)

Gene: SMAD4 (SMAD family member 4; plus strand). Cytogenetic location: 18q21.2.
Variant type: single nucleotide variant.
Coding change: c.1138A>T on transcript NM_005359.6 (MANE Select); coding-DNA position 1138, A replaced by T.
Protein change: p.Arg380Trp; replaces arginine 380 with tryptophan.
Molecular consequence: missense variant.
Genome position (GRCh38, 1-based): chr18:51,065,605, A>T. VCF-style: chr18-51065605-A-T. GRCh37 (hg19) VCF-style: chr18-48591975-A-T.
Other names: short protein forms R380W.
Identifiers: ClinVar variation 583023 (VCV000583023.10), dbSNP rs1568208291, ClinGen allele CA402464619.
Genomic context (GRCh38, chr18:51,065,605, plus strand): 5'-GATCGCTTTTGTTTGGGTCAACTCTCCAATGTCCACAGGACAGAAGCCATTGAGAGAGCA[A>T]GGTATTGATTGTATAGTCAGATAGTTACTTTAAAAAATTGAGCATAGTACATTGTCTTTT-3'
Protein context (NP_005350.1, residues 370-390): VHRTEAIERA[Arg380Trp]LHIGKGVQLE